The following is an entry in ClinVar:

ClinVar aggregate classification (germline): Uncertain significance (1 of 4 stars; one submission).

Conditions:
Carney complex, type 1 (CNC1). Also called: CARNEY COMPLEX, TYPE I; CARNEY MYXOMA-ENDOCRINE COMPLEX. Identifiers: Orphanet 1359, MedGen C2607929, MONDO:0008057, OMIM 160980.

Submission:

Labcorp Genetics (formerly Invitae), Labcorp
Classification: Uncertain significance for Carney complex, type 1. Last evaluated: 2023-07-13. Review status: criteria provided, single submitter. Criteria: Invitae Variant Classification Sherloc (09022015). Collection method: clinical testing. Allele origin: germline.
Comment: This sequence change replaces tyrosine, which is neutral and polar, with cysteine, which is neutral and slightly polar, at codon 373 of the PRKAR1A protein (p.Tyr373Cys). This missense change has been observed in individual(s) with acrodysostosis (PMID: 23425300). In at least one individual the variant was observed to be de novo. This variant is not present in population databases (gnomAD no frequency). This variant disrupts the p.Tyr373 amino acid residue in PRKAR1A. Other variant(s) that disrupt this residue have been observed in individuals with PRKAR1A-related conditions (PMID: 22464250), which suggests that this may be a clinically significant amino acid residue. An algorithm developed to predict the effect of missense changes on protein structure and function (PolyPhen-2) suggests that this variant is likely to be disruptive. In summary, the available evidence is currently insufficient to determine the role of this variant in disease. Therefore, it has been classified as a Variant of Uncertain Significance.

Literature cited by the submitters: PubMed 23425300; PubMed 22464250.

NM_002734.5(PRKAR1A):c.1118A>G (p.Tyr373Cys)

Gene: PRKAR1A (protein kinase cAMP-dependent type I regulatory subunit alpha; plus strand). Cytogenetic location: 17q24.2.
Variant type: single nucleotide variant.
Coding change: c.1118A>G on transcript NM_002734.5 (MANE Select); coding-DNA position 1118, A replaced by G.
Protein change: p.Tyr373Cys; replaces tyrosine 373 with cysteine.
Molecular consequence: missense variant. On other transcripts: intron variant (1).
Genome position (GRCh38, 1-based): chr17:68,530,421, A>G. VCF-style: chr17-68530421-A-G. GRCh37 (hg19) VCF-style: chr17-66526562-A-G.
Other names: c.1118A>G, p.Tyr373Cys (NM_001276289.2, NM_001278433.2, NM_001369389.1 and 3 more transcripts); c.973+420A>G (NM_001276290.1); short protein forms Y373C.
Identifiers: ClinVar variation 2736640 (VCV002736640.3), dbSNP rs2509447375, ClinGen allele CA400754935.
Genomic context (GRCh38, chr17:68,530,421, plus strand): 5'-CTAGATTTGAACGTGTTCTTGGCCCATGCTCAGACATCCTCAAACGAAACATCCAGCAGT[A>G]CAACAGTTTTGTGTCACTGTCTGTCTGAAATCTGCCTCCTGTGCCTCCCTTTTCTCCTCT-3'
Protein context (NP_002725.1, residues 363-381): SDILKRNIQQ[Tyr373Cys]NSFVSLSV